The following is an entry in ClinVar:

ClinVar aggregate classification (germline): Conflicting classifications of pathogenicity. Review status: criteria provided, conflicting classifications (1 of 4 stars). 2 submissions from 2 submitters: Uncertain significance (1); Likely benign (1). Last evaluated 2025-02-16.

Conditions:
Hereditary cancer-predisposing syndrome. Also called: Hereditary neoplastic syndrome; Neoplastic Syndromes, Hereditary; Tumor predisposition; Hereditary Cancer Syndrome. Identifiers: Orphanet 140162, MedGen C0027672, MeSH D009386, MONDO:0015356.
Tuberous sclerosis 1 (TSC1). Identifiers: Orphanet 805, MedGen C1854465, MONDO:0008612, OMIM 191100.

Allele frequency attached by ClinVar (database versions not stated): gnomAD exomes below 0.00001; ExAC 0.00001.
gnomAD v4.1: 1 of 1,613,932 alleles (0.000062%); highest among the groups gnomAD compares: South Asian, 0.0011%; no homozygotes.

Submissions (2):

Ambry Genetics
Classification: Uncertain significance for Hereditary cancer-predisposing syndrome. Last evaluated: 2025-02-16. Review status: criteria provided, single submitter. Criteria: Ambry Variant Classification Scheme 2023. Collection method: clinical testing. Allele origin: germline.
Comment: The p.P387L variant (also known as c.1160C>T), located in coding exon 10 of the TSC1 gene, results from a C to T substitution at nucleotide position 1160. The proline at codon 387 is replaced by leucine, an amino acid with similar properties. This amino acid position is conserved. In addition, the in silico prediction for this alteration is inconclusive. Based on the available evidence, the clinical significance of this variant remains unclear.

Labcorp Genetics (formerly Invitae), Labcorp
Classification: Likely benign for Tuberous sclerosis 1. Last evaluated: 2024-04-08. Review status: criteria provided, single submitter. Criteria: Invitae Variant Classification Sherloc (09022015). Collection method: clinical testing. Allele origin: germline.

NM_000368.5(TSC1):c.1160C>T (p.Pro387Leu)

Gene: TSC1 (TSC complex subunit 1; minus strand). Cytogenetic location: 9q34.13.
Variant type: single nucleotide variant.
Coding change: c.1160C>T on transcript NM_000368.5 (MANE Select); coding-DNA position 1160, C replaced by T.
Protein change: p.Pro387Leu; replaces proline 387 with leucine.
Molecular consequence: missense variant. On other transcripts: non-coding transcript variant (5).
Genome position (GRCh38, 1-based): chr9:132,910,674, G>A on the plus strand (C>T on the coding strand, the complement: TSC1 is on the minus strand). VCF-style: chr9-132910674-G-A. GRCh37 (hg19) VCF-style: chr9-135786061-G-A.
Other names: c.1157C>T, p.Pro386Leu (NM_001162426.2, NM_001406608.1, NM_001406609.1 and 6 more transcripts); c.1007C>T, p.Pro336Leu (NM_001162427.2, NM_001406610.1); c.797C>T, p.Pro266Leu (NM_001362177.2, NM_001406614.1, NM_001406615.1 and 5 more transcripts); c.1160C>T, p.Pro387Leu (NM_001406592.1, NM_001406593.1, NM_001406594.1 and 7 more transcripts); c.1004C>T, p.Pro335Leu (NM_001406611.1, NM_001406612.1, NM_001406613.1); c.209C>T, p.Pro70Leu (NM_001406626.1); c.206C>T, p.Pro69Leu (NM_001406627.1, NM_001406628.1); c.107C>T, p.Pro36Leu (NM_001406629.1, NM_001406630.1); and 1 more; short protein forms P335L, P36L, P265L, P387L, P69L, P266L, P336L, P386L.
Identifiers: ClinVar variation 2798617 (VCV002798617.4), dbSNP rs764150061, ClinGen allele CA027193.